The following is an entry in ClinVar:

NM_000091.5(COL4A3):c.1030-1G>C

Genes: COL4A3 (collagen type IV alpha 3 chain; plus strand), MFF-DT (MFF divergent transcript; minus strand). Cytogenetic location: 2q36.3.
Variant type: single nucleotide variant.
Coding change: c.1030-1G>C on transcript NM_000091.5 (MANE Select); the canonical splice acceptor site of the intron before coding-DNA position 1030, G replaced by C.
Molecular consequence: splice acceptor variant.
Genome position (GRCh38, 1-based): chr2:227,259,792, G>C. VCF-style: chr2-227259792-G-C. GRCh37 (hg19) VCF-style: chr2-228124508-G-C.
Identifiers: ClinVar variation 4854296 (VCV004854296.1).

ClinVar aggregate classification (germline): Pathogenic (1 of 4 stars; one submission).

Conditions:
Alport syndrome 3b, autosomal recessive. Identifiers: MedGen C5882699, MONDO:0957811, OMIM 620536.

Submission:

3billion
Classification: Pathogenic for Alport syndrome 3b, autosomal recessive. Last evaluated: 2025-12-29. Review status: criteria provided, single submitter. Criteria: ACMG Guidelines, 2015. Collection method: clinical testing. Allele origin: germline. Affected: yes.
Comment: The variant is not observed in the gnomAD v4.1.0 dataset. Predicted Consequence/Location: Canonical splice site: predicted to alter splicing and result in a loss or disruption of normal protein function. Multiple pathogenic loss-of-function variants are reported downstream of the variant. In silico tools predict the variant to alter splicing and produce an abnormal transcript [SpliceAI: 0.96 (spliceogenicity >=0.2, non-spliceogenicity <0.1)]. Therefore, this variant is classified as Pathogenic according to the recommendation of ACMG/AMP guideline.